The following is an entry in ClinVar:

NM_000274.4(OAT):c.771+1G>A

Genes: OAT (ornithine aminotransferase; minus strand), LOC121815974 (Sharpr-MPRA regulatory region 15365; plus strand). Cytogenetic location: 10q26.13.
Variant type: single nucleotide variant.
Coding change: c.771+1G>A on transcript NM_000274.4 (MANE Select); the canonical splice donor site of the intron after coding-DNA position 771, G replaced by A.
Molecular consequence: splice donor variant.
Genome position (GRCh38, 1-based): chr10:124,403,797, C>T on the plus strand (G>A on the coding strand, the complement: OAT is on the minus strand). VCF-style: chr10-124403797-C-T. GRCh37 (hg19) VCF-style: chr10-126092366-C-T.
Other names: c.771+1G>A (NM_001322965.2, NM_001322969.2, NM_001322966.2 and 3 more transcripts); c.357+1G>A (NM_001171814.2); c.171+1G>A (NM_001322974.2); c.450+1G>A (NM_001322971.2).
Identifiers: ClinVar variation 4818083 (VCV004818083.1).
Genomic context (GRCh38, chr10:124,403,797, plus strand): 5'-AGCCTCATCACAAACAGCTAACTCGACATTCAGCCTTATCACAAACAGCTAACGTGACAA[C>T]CTGGTGCCTGGTGCAGAGCTCTCGCACTCCCATTAGGTAACCTGGATCCGGAACAACAAC-3'

ClinVar aggregate classification (germline): Likely pathogenic (1 of 4 stars; one submission).

Conditions:
Ornithine aminotransferase deficiency (GACR). Also called: HYPERORNITHINEMIA WITH GYRATE ATROPHY OF CHOROID AND RETINA; OAT DEFICIENCY; OKT DEFICIENCY; Ornithine ketoacid aminotransferase deficiency; Gyrate atrophy; Gyrate atrophy of choroid and retina. Identifiers: Orphanet 414, MedGen C0018425, MONDO:0009796, OMIM 258870.

gnomAD v4.1: 1 of 1,614,148 alleles (0.000062%); highest among the groups gnomAD compares: Non-Finnish European, 0.000085%; no homozygotes.

Submission:

Natera, Inc.
Classification: Likely pathogenic for Gyrate atrophy. Last evaluated: 2026-01-16. Review status: criteria provided, single submitter. Criteria: Natera Variant Classification Schema (03/2026). Collection method: clinical testing. Allele origin: germline.
Comment: The c.771+1G>A variant in OAT is a canonical splice donor site variant predicted to affect pre-mRNA splicing, which may result in an abnormal transcript and altered protein product. This variant is expected to result in nonsense mediated decay, truncation, or a dysfunctional protein product. This variant is rare in the general population with a frequency below the threshold expected for the associated phenotype(s). Given the available evidence, this variant is classified as Likely Pathogenic.